The following is an entry in ClinVar:

ClinVar aggregate classification (germline): Likely pathogenic. Review status: criteria provided, multiple submitters, no conflicts (2 of 4 stars). 6 submissions from 6 submitters: Likely pathogenic (5). 1 of the submissions does not count toward it. Last evaluated 2025-02-10.

Conditions:
Cohen syndrome (COH1). Also called: PEPPER SYNDROME; Cutis verticis gyrata, retinitis pigmentosa, and sensorineural deafness. Identifiers: Orphanet 193, MedGen C0265223, MONDO:0008999, OMIM 216550.
VPS13B-related disorder. Also called: VPS13B-related condition.

Allele frequency attached by ClinVar (database versions not stated): TOPMed below 0.00001.

Submissions (6):

Labcorp Genetics (formerly Invitae), Labcorp
Classification: Likely pathogenic for Cohen syndrome. Last evaluated: 2025-02-10. Review status: criteria provided, single submitter. Criteria: Invitae Variant Classification Sherloc (09022015). Collection method: clinical testing. Allele origin: germline.
Comment: This sequence change affects an acceptor splice site in intron 44 of the VPS13B gene. It is expected to disrupt RNA splicing. Variants that disrupt the donor or acceptor splice site typically lead to a loss of protein function (PMID: 16199547), and loss-of-function variants in VPS13B are known to be pathogenic (PMID: 15141358, 16648375, 20461111). This variant is not present in population databases (gnomAD no frequency). Disruption of this splice site has been observed in individual(s) with clinical features of VPS13B-related conditions (internal data). ClinVar contains an entry for this variant (Variation ID: 432136). Algorithms developed to predict the effect of sequence changes on RNA splicing suggest that this variant may disrupt the consensus splice site. In summary, the currently available evidence indicates that the variant is pathogenic, but additional data are needed to prove that conclusively. Therefore, this variant has been classified as Likely Pathogenic.

Fulgent Genetics
Classification: Likely pathogenic for Cohen syndrome. Last evaluated: 2024-01-05. Review status: criteria provided, single submitter. Criteria: ACMG Guidelines, 2015. Collection method: clinical testing. Allele origin: germline.

Blueprint Genetics
Classification: Likely pathogenic for VPS13B-related disorders. Last evaluated: 2020-01-07. Review status: criteria provided, single submitter. Criteria: ACMG Guidelines, 2015. Collection method: clinical testing. Allele origin: germline. Affected: yes. Observed: 1 variant allele.

GeneDx
Classification: Likely pathogenic. Last evaluated: 2016-04-06. Review status: criteria provided, single submitter. Criteria: GeneDx Variant Classification (06012015). Collection method: clinical testing. Allele origin: germline. Affected: yes.
Comment: The c.8173-1G>C variant in the VPS13B gene has not been reported previously as a pathogenic variant nor as a benign variant, to our knowledge. This splice site variant destroys the canonical splice acceptor site in intron 44. It is predicted to cause abnormal gene splicing resulting in an in-frame protein product with an abnormal message. However, in the absence of RNA/functional studies, the actual effect of c.8173-1G>C in this individual is unknown. The c.8173-1G>C variant was not observed in approximately 6,500 individuals of European and African American ancestry in the NHLBI Exome Sequencing Project, indicating it is not a common benign variant in these populations. The c.8173-1G>C variant is a strong candidate for a pathogenic variant, however the possibility it may be a rare benign variant cannot be excluded.

Juno Genomics, Hangzhou Juno Genomics, Inc
Classification: Likely pathogenic for Cohen syndrome. Review status: criteria provided, single submitter. Criteria: ACMG Guidelines, 2015. Collection method: clinical testing. Allele origin: germline. Affected: yes.
Comment: Null variant in a gene where loss of function (LOF) is a known mechanism of disease.;Absent from controls (or at extremely low frequency if recessive) in Genome Aggregation Database, Exome Sequencing Project, 1000 Genomes Project, or Exome Aggregation Consortium.;For recessive disorders, detected in trans with a pathogenic variant.;Patient's phenotype or family history is highly specific for a disease with a single genetic etiology.

Counsyl
Classification: Likely pathogenic for Cohen syndrome. Last evaluated: 2019-07-12. Review status: no assertion criteria provided. Collection method: clinical testing. Allele origin: unknown. Not counted in ClinVar's aggregate classification.

Literature cited by the submitters: PubMed 16199547 (cited by Labcorp Genetics (formerly Invitae), Labcorp); PubMed 15141358 (cited by Labcorp Genetics (formerly Invitae), Labcorp); PubMed 16648375 (cited by Labcorp Genetics (formerly Invitae), Labcorp); PubMed 20461111 (cited by Labcorp Genetics (formerly Invitae), Labcorp).

NM_152564.5(VPS13B):c.8098-1G>C

Gene: VPS13B (vacuolar protein sorting 13 homolog B; plus strand). Cytogenetic location: 8q22.2.
Variant type: single nucleotide variant.
Coding change: c.8098-1G>C on transcript NM_152564.5 (MANE Select); the canonical splice acceptor site of the intron before coding-DNA position 8098, G replaced by C.
Molecular consequence: splice acceptor variant.
Genome position (GRCh38, 1-based): chr8:99,817,539, G>C. VCF-style: chr8-99817539-G-C. GRCh37 (hg19) VCF-style: chr8-100829767-G-C.
Other names: c.8173-1G>C (NM_017890.5).
Identifiers: ClinVar variation 432136 (VCV000432136.16), dbSNP rs1554565484, ClinGen allele CA371772264.
Genomic context (GRCh38, chr8:99,817,539, plus strand): 5'-ACATATTTCCAGTTAATGAAGTCTGAATTGATGAAGCCTTATATACTTAACTGTCTTTTA[G>C]ATTATCATCTGTGGAAGACAGATCATCTGTAGTTACTTGTCTCAAAGCATAGAACTAAAA-3'